The following is an entry in ClinVar:

NM_017934.7(PHIP):c.3206G>C (p.Gly1069Ala)

Genes: IRAK1BP1 (interleukin 1 receptor associated kinase 1 binding protein 1; plus strand), PHIP (PHIP subunit of CUL4-Ring ligase complex; minus strand). Cytogenetic location: 6q14.1.
Variant type: single nucleotide variant.
Coding change: c.3206G>C on transcript NM_017934.7 (MANE Select); coding-DNA position 3206, G replaced by C.
Protein change: p.Gly1069Ala; replaces glycine 1069 with alanine.
Molecular consequence: missense variant.
Genome position (GRCh38, 1-based): chr6:78,966,056, C>G on the plus strand (G>C on the coding strand, the complement: PHIP is on the minus strand). VCF-style: chr6-78966056-C-G. GRCh37 (hg19) VCF-style: chr6-79675773-C-G.
Other names: short protein forms G1069A.
Identifiers: ClinVar variation 3359901 (VCV003359901.1).

ClinVar aggregate classification (germline): Uncertain significance (1 of 4 stars; one submission).

Submission:

GeneDx
Classification: Uncertain significance. Last evaluated: 2023-06-21. Review status: criteria provided, single submitter. Criteria: GeneDx Variant Classification Process June 2021. Collection method: clinical testing. Allele origin: germline. Affected: yes.
Comment: Not observed at significant frequency in large population cohorts (gnomAD); In silico analysis supports that this missense variant has a deleterious effect on protein structure/function; In silico analysis is inconclusive as to whether the variant alters gene splicing. In the absence of RNA/functional studies, the actual effect of this sequence change is unknown.; Has not been previously published as pathogenic or benign to our knowledge